The following is an entry in ClinVar:

NM_000492.4(CFTR):c.1981A>G (p.Ile661Val)

Gene: CFTR (CF transmembrane conductance regulator; plus strand). Cytogenetic location: 7q31.2.
Variant type: single nucleotide variant.
Coding change: c.1981A>G on transcript NM_000492.4 (MANE Select); coding-DNA position 1981, A replaced by G.
Protein change: p.Ile661Val; replaces isoleucine 661 with valine.
Molecular consequence: missense variant.
Genome position (GRCh38, 1-based): chr7:117,592,148, A>G. VCF-style: chr7-117592148-A-G. GRCh37 (hg19) VCF-style: chr7-117232202-A-G.
Other names: short protein forms I661V.
Identifiers: ClinVar variation 848016 (VCV000848016.5), dbSNP rs777973729, ClinGen allele CA164947651.
Genomic context (GRCh38, chr7:117,592,148, plus strand): 5'-AGCTCAAAACTCATGGGATGTGATTCTTTCGACCAATTTAGTGCAGAAAGAAGAAATTCA[A>G]TCCTAACTGAGACCTTACACCGTTTCTCATTAGAAGGAGATGCTCCTGTCTCCTGGACAG-3'
Protein context (NP_000483.3, residues 651-671): DQFSAERRNS[Ile661Val]LTETLHRFSL

ClinVar aggregate classification (germline): Uncertain significance. Review status: criteria provided, multiple submitters, no conflicts (2 of 4 stars). 3 submissions from 3 submitters: Uncertain significance (2). 1 of the submissions does not count toward it. Last evaluated 2026-09-08.

Conditions:
Cystic fibrosis (CF). Also called: MUCOVISCIDOSIS. Identifiers: Orphanet 586, MedGen C0010674, MONDO:0009061, OMIM 219700. Disease mechanism: loss of function.
CFTR-related disorder (CFTR-RD). Also called: CFTR-related disorders; CFTR-related condition. Identifiers: MedGen C5924204, MONDO:7770004.

Allele frequency attached by ClinVar (database versions not stated): gnomAD exomes below 0.00001.
gnomAD v4.1: 5 of 1,614,048 alleles (0.00031%); highest among the groups gnomAD compares: South Asian, 0.0011%; no homozygotes.

Submissions (3):

Ambry Genetics
Classification: Uncertain significance for Cystic fibrosis. Last evaluated: 2026-09-08. Review status: criteria provided, single submitter. Criteria: Ambry Variant Classification Scheme 2023. Collection method: clinical testing. Allele origin: germline.
Comment: The p.I661V variant (also known as c.1981A>G), located in coding exon 14 of the CFTR gene, results from an A to G substitution at nucleotide position 1981. The isoleucine at codon 661 is replaced by valine, an amino acid with highly similar properties. This amino acid position is highly conserved in available vertebrate species. In addition, the in silico prediction for this alteration is inconclusive. Based on the available evidence, the clinical significance of this variant remains unclear.

Labcorp Genetics (formerly Invitae), Labcorp
Classification: Uncertain significance for Cystic fibrosis. Last evaluated: 2021-09-01. Review status: criteria provided, single submitter. Criteria: Invitae Variant Classification Sherloc (09022015). Collection method: clinical testing. Allele origin: germline.
Comment: This sequence change replaces isoleucine with valine at codon 661 of the CFTR protein (p.Ile661Val). The isoleucine residue is moderately conserved and there is a small physicochemical difference between isoleucine and valine. This variant is not present in population databases (ExAC no frequency). This variant has not been reported in the literature in individuals affected with CFTR-related conditions. Algorithms developed to predict the effect of missense changes on protein structure and function are either unavailable or do not agree on the potential impact of this missense change (SIFT: "Deleterious"; PolyPhen-2: "Benign"; Align-GVGD: "Class C0"). In summary, the available evidence is currently insufficient to determine the role of this variant in disease. Therefore, it has been classified as a Variant of Uncertain Significance.

Natera, Inc.
Classification: Uncertain significance for CFTR-related disorders. Last evaluated: 2019-02-25. Review status: no assertion criteria provided. Collection method: clinical testing. Allele origin: germline. Not counted in ClinVar's aggregate classification.